The following is an entry in ClinVar:

NM_177438.3(DICER1):c.3908T>G (p.Leu1303Arg)

Gene: DICER1 (dicer 1, ribonuclease III; minus strand). Cytogenetic location: 14q32.13.
Variant type: single nucleotide variant.
Coding change: c.3908T>G on transcript NM_177438.3 (MANE Select); coding-DNA position 3908, T replaced by G.
Protein change: p.Leu1303Arg; replaces leucine 1303 with arginine.
Molecular consequence: missense variant. On other transcripts: non-coding transcript variant (6).
Genome position (GRCh38, 1-based): chr14:95,103,488, A>C on the plus strand (T>G on the coding strand, the complement: DICER1 is on the minus strand). VCF-style: chr14-95103488-A-C. GRCh37 (hg19) VCF-style: chr14-95569825-A-C.
Other names: c.3908T>G, p.Leu1303Arg (NM_001195573.1, NM_001271282.3, NM_001291628.2 and 12 more transcripts); c.3626T>G, p.Leu1209Arg (NM_001395686.1); c.3503T>G, p.Leu1168Arg (NM_001395687.1, NM_001395688.1, NM_001395689.1 and 2 more transcripts); c.3341T>G, p.Leu1114Arg (NM_001395691.1); c.2225T>G, p.Leu742Arg (NM_001395697.1); short protein forms L1168R, L1303R, L742R, L1114R, L1209R.
Identifiers: ClinVar variation 4011672 (VCV004011672.1).

ClinVar aggregate classification (germline): Uncertain significance (1 of 4 stars; one submission).

Conditions:
Hereditary cancer-predisposing syndrome. Also called: Tumor predisposition; Hereditary neoplastic syndrome; Neoplastic Syndromes, Hereditary; Hereditary Cancer Syndrome. Identifiers: Orphanet 140162, MedGen C0027672, MeSH D009386, MONDO:0015356.

Submission:

Ambry Genetics
Classification: Uncertain significance for Hereditary cancer-predisposing syndrome. Last evaluated: 2025-05-25. Review status: criteria provided, single submitter. Criteria: Ambry Variant Classification Scheme 2023. Collection method: clinical testing. Allele origin: germline.
Comment: The p.L1303R variant (also known as c.3908T>G), located in coding exon 20 of the DICER1 gene, results from a T to G substitution at nucleotide position 3908. The leucine at codon 1303 is replaced by arginine, an amino acid with dissimilar properties. This amino acid position is conserved. In addition, this alteration is predicted to be deleterious by in silico analysis. Based on the available evidence, the clinical significance of this variant remains unclear.